The following is an entry in ClinVar:

NM_016734.3(PAX5):c.233T>C (p.Ile78Thr)

Gene: PAX5 (paired box 5; minus strand). Cytogenetic location: 9p13.2.
Variant type: single nucleotide variant.
Coding change: c.233T>C on transcript NM_016734.3 (MANE Select); coding-DNA position 233, T replaced by C.
Protein change: p.Ile78Thr; replaces isoleucine 78 with threonine.
Molecular consequence: missense variant. On other transcripts: 5 prime UTR variant (2), non-coding transcript variant (2), intron variant (1).
Genome position (GRCh38, 1-based): chr9:37,015,174, A>G on the plus strand (T>C on the coding strand, the complement: PAX5 is on the minus strand). VCF-style: chr9-37015174-A-G. GRCh37 (hg19) VCF-style: chr9-37015171-A-G.
Other names: c.233T>C, p.Ile78Thr (NM_001280547.2, NM_001280548.2, NM_001280549.2 and 4 more transcripts); c.-92T>C (NM_001280551.2, NM_001280556.2); c.212+5462T>C (NM_001280555.2); short protein forms I78T.
Identifiers: ClinVar variation 4843877 (VCV004843877.1).

ClinVar aggregate classification (germline): Uncertain significance (1 of 4 stars; one submission).

Conditions:
Inborn genetic diseases. Identifiers: MedGen C0950123, MeSH D030342.

gnomAD v4.1: 1 of 1,614,122 alleles (0.000062%); highest among the groups gnomAD compares: Non-Finnish European, 0.000085%; no homozygotes.

Submission:

Ambry Genetics
Classification: Uncertain significance for Inborn genetic diseases. Last evaluated: 2025-12-20. Review status: criteria provided, single submitter. Criteria: Ambry Variant Classification Scheme 2023. Collection method: clinical testing. Allele origin: germline.
Comment: The p.I78T variant (also known as c.233T>C), located in coding exon 3 of the PAX5 gene, results from a T to C substitution at nucleotide position 233. The isoleucine at codon 78 is replaced by threonine, an amino acid with similar properties. This amino acid position is conserved. In addition, this alteration is predicted to be deleterious by in silico analysis. Based on the available evidence, the clinical significance of this variant remains unclear.